The following is an entry in ClinVar:

NM_001267550.2(TTN):c.11311+1575T>C

Gene: TTN (titin; minus strand). Cytogenetic location: 2q31.2.
Variant type: single nucleotide variant.
Coding change: c.11311+1575T>C on transcript NM_001267550.2 (MANE Select); 1575 bases into the intron after coding-DNA position 11311, T replaced by C.
Molecular consequence: intron variant. On other transcripts: synonymous variant (1).
Genome position (GRCh38, 1-based): chr2:178,751,549, A>G on the plus strand (T>C on the coding strand, the complement: TTN is on the minus strand). VCF-style: chr2-178751549-A-G. GRCh37 (hg19) VCF-style: chr2-179616276-A-G.
Other names: c.10851T>C, p.His3617= (NM_133379.5); c.10222+1575T>C (NM_003319.4); c.10798+1575T>C (NM_133437.4); c.10597+1575T>C (NM_133432.3); c.10360+1575T>C (NM_133378.4, NM_001256850.1).
Identifiers: ClinVar variation 4979838 (VCV004979838.1).

ClinVar aggregate classification (germline): Likely benign (1 of 4 stars; one submission).

Conditions:
TTN-related disorder. Also called: TTN-related condition; TTN-related disease; TTN-related disorders.

Submission:

PreventionGenetics, part of Exact Sciences
Classification: Likely benign for TTN-related condition. Last evaluated: 2025-06-25. Review status: criteria provided, single submitter. Criteria: ACMG Guidelines, 2015. Collection method: clinical testing. Allele origin: germline.
Comment: This variant is classified as likely benign based on ACMG/AMP sequence variant interpretation guidelines (Richards et al. 2015 PMID: 25741868, with internal and published modifications).